The following is an entry in ClinVar:

NM_001080449.3(DNA2):c.2968-269C>T

Gene: DNA2 (DNA replication helicase/nuclease 2; minus strand). Cytogenetic location: 10q21.3.
Variant type: single nucleotide variant.
Coding change: c.2968-269C>T on transcript NM_001080449.3 (MANE Select); 269 bases into the intron before coding-DNA position 2968, C replaced by T.
Molecular consequence: intron variant.
Genome position (GRCh38, 1-based): chr10:68,417,124, G>A on the plus strand (C>T on the coding strand, the complement: DNA2 is on the minus strand). VCF-style: chr10-68417124-G-A. GRCh37 (hg19) VCF-style: chr10-70176881-G-A.
Identifiers: ClinVar variation 673710 (VCV000673710.1), dbSNP rs114133743, ClinGen allele CA208190373.

ClinVar aggregate classification (germline): Benign (1 of 4 stars; one submission).

Allele frequency attached by ClinVar (database versions not stated): 1000 Genomes Project 0.02716; gnomAD 0.02794 and 0.03018; 1000 Genomes Project 30x 0.02920; TOPMed 0.03213.
gnomAD v4.1: 4,209 of 151,758 alleles (2.8%); highest among the groups gnomAD compares: African/African-American, 9.6%; 178 homozygotes.

Submission:

GeneDx
Classification: Benign. Last evaluated: 2018-06-16. Review status: criteria provided, single submitter. Criteria: GeneDx Variant Classification (06012015). Collection method: clinical testing. Allele origin: germline. Affected: yes.
Comment: This variant is considered likely benign or benign based on one or more of the following criteria: it is a conservative change, it occurs at a poorly conserved position in the protein, it is predicted to be benign by multiple in silico algorithms, and/or has population frequency not consistent with disease.